The following is an entry in ClinVar:

ClinVar aggregate classification (germline): Uncertain significance (1 of 4 stars; one submission).

Submission:

Women's Health and Genetics/Laboratory Corporation of America, LabCorp
Classification: Uncertain significance. Last evaluated: 2024-10-14. Review status: criteria provided, single submitter. Criteria: LabCorp Variant Classification Summary - May 2015. Collection method: clinical testing. Allele origin: germline.
Comment: Variant summary: The variant involves the deletion of exon 20 in the IGF1R gene. A presumed nomenclature of c.(3587+1_3588-1)_(3722+1_3723-1)del has been designated for the purposes of this classification. This Copy Number Variant (CNV) is predicted to result in an in-frame deletion within this gene. The variant was absent in 21694 control chromosomes. The available data on variant occurrences in the general population are insufficient to allow any conclusion about variant significance. To our knowledge, no occurrence of c.(3587+1_3588-1)_(3722+1_3723-1)del in individuals affected with Growth Delay Due To Insulin-Like Growth Factor I Resistance and no experimental evidence demonstrating its impact on protein function have been reported. No submitters have cited clinical-significance assessments for this variant to ClinVar. Based on the evidence outlined above, the variant was classified as uncertain significance.

NC_000015.9:g.(99486282_99491802)_(99491938_99500289)del

Gene: IGF1R (insulin like growth factor 1 receptor; plus strand). Cytogenetic location: 15q26.3.
Variant type: Deletion.
Identifiers: ClinVar variation 3385314 (VCV003385314.1).